The following is an entry in ClinVar:

ClinVar aggregate classification (germline): Uncertain significance. Review status: criteria provided, multiple submitters, no conflicts (2 of 4 stars). 3 submissions from 3 submitters: Uncertain significance (3). Last evaluated 2025-09-10.

Conditions:
Inborn genetic diseases. Identifiers: MedGen C0950123, MeSH D030342.

Allele frequency attached by ClinVar (database versions not stated): gnomAD 0.00002; gnomAD exomes 0.00002 and 0.00004; TOPMed 0.00003.
gnomAD v4.1: 66 of 1,600,730 alleles (0.0041%); highest among the groups gnomAD compares: Non-Finnish European, 0.0055%; no homozygotes.

Submissions (3):

Ambry Genetics
Classification: Uncertain significance for Inborn genetic diseases. Last evaluated: 2025-09-10. Review status: criteria provided, single submitter. Criteria: Ambry Variant Classification Scheme 2023. Collection method: clinical testing. Allele origin: germline.

Blueprint Genetics
Classification: Uncertain significance. Last evaluated: 2024-11-04. Review status: criteria provided, single submitter. Criteria: ACMG Guidelines, 2015. Collection method: clinical testing. Allele origin: germline.

Labcorp Genetics (formerly Invitae), Labcorp
Classification: Uncertain significance. Last evaluated: 2024-10-09. Review status: criteria provided, single submitter. Criteria: Invitae Variant Classification Sherloc (09022015). Collection method: clinical testing. Allele origin: germline.
Comment: This sequence change replaces alanine, which is neutral and non-polar, with threonine, which is neutral and polar, at codon 64 of the GNB3 protein (p.Ala64Thr). This variant is present in population databases (no rsID available, gnomAD 0.003%). This variant has not been reported in the literature in individuals affected with GNB3-related conditions. ClinVar contains an entry for this variant (Variation ID: 1005493). Invitae Evidence Modeling of protein sequence and biophysical properties (such as structural, functional, and spatial information, amino acid conservation, physicochemical variation, residue mobility, and thermodynamic stability) indicates that this missense variant is not expected to disrupt GNB3 protein function with a negative predictive value of 80%. In summary, the available evidence is currently insufficient to determine the role of this variant in disease. Therefore, it has been classified as a Variant of Uncertain Significance.

NM_002075.4(GNB3):c.190G>A (p.Ala64Thr)

Gene: GNB3 (G protein subunit beta 3; plus strand). Cytogenetic location: 12p13.31.
Variant type: single nucleotide variant.
Coding change: c.190G>A on transcript NM_002075.4 (MANE Select); coding-DNA position 190, G replaced by A.
Protein change: p.Ala64Thr; replaces alanine 64 with threonine.
Molecular consequence: missense variant.
Genome position (GRCh38, 1-based): chr12:6,843,063, G>A. VCF-style: chr12-6843063-G-A. GRCh37 (hg19) VCF-style: chr12-6952227-G-A.
Other names: c.190G>A (NM_002075.2); c.190G>A, p.Ala64Thr (NM_001297571.2); short protein forms A64T.
Identifiers: ClinVar variation 1005493 (VCV001005493.8), dbSNP rs1469047599, ClinGen allele CA383671844.